The following is an entry in ClinVar:

NM_001370259.2(MEN1):c.1154C>T (p.Ala385Val)

Gene: MEN1 (menin 1; minus strand). Cytogenetic location: 11q13.1.
Variant type: single nucleotide variant.
Coding change: c.1154C>T on transcript NM_001370259.2 (MANE Select); coding-DNA position 1154, C replaced by T.
Protein change: p.Ala385Val; replaces alanine 385 with valine.
Molecular consequence: missense variant.
Genome position (GRCh38, 1-based): chr11:64,805,666, G>A on the plus strand (C>T on the coding strand, the complement: MEN1 is on the minus strand). VCF-style: chr11-64805666-G-A. GRCh37 (hg19) VCF-style: chr11-64573138-G-A.
Other names: c.1169C>T, p.Ala390Val (NM_000244.4, NM_130800.3, NM_130801.3 and 3 more transcripts); c.1280C>T, p.Ala427Val (NM_001370251.2); c.1154C>T, p.Ala385Val (NM_001370260.2, NM_001370261.2, NM_130799.3); c.1049C>T, p.Ala350Val (NM_001370262.2, NM_001370263.2); short protein forms A385V, A390V, A350V, A427V.
Identifiers: ClinVar variation 527247 (VCV000527247.25), dbSNP rs1298484645, ClinGen allele CA381182214.

ClinVar aggregate classification (germline): Conflicting classifications of pathogenicity. Review status: criteria provided, conflicting classifications (1 of 4 stars). 8 submissions from 8 submitters: Uncertain significance (5); Likely benign (1). 2 of the submissions do not count toward it. Last evaluated 2026-01-18.

Conditions:
Hereditary cancer-predisposing syndrome. Also called: Neoplastic Syndromes, Hereditary; Tumor predisposition; Hereditary neoplastic syndrome; Hereditary Cancer Syndrome. Identifiers: Orphanet 140162, MedGen C0027672, MeSH D009386, MONDO:0015356.
Multiple endocrine neoplasia, type 1 (MEN1). Also called: MEN I; WERMER SYNDROME; Endocrine adenomatosis multiple; MEN 1; MEA I. Identifiers: Orphanet 652, MedGen C0025267, MeSH D018761, MONDO:0007540, OMIM 131100.

Allele frequency attached by ClinVar (database versions not stated): gnomAD exomes below 0.00001 and 0.00001.
gnomAD v4.1: 17 of 1,614,058 alleles (0.0011%); highest among the groups gnomAD compares: Admixed American, 0.0017%; no homozygotes.

Submissions (8):

Labcorp Genetics (formerly Invitae), Labcorp
Classification: Likely benign for Multiple endocrine neoplasia, type 1. Last evaluated: 2026-01-18. Review status: criteria provided, single submitter. Criteria: Invitae Variant Classification Sherloc (09022015). Collection method: clinical testing. Allele origin: germline.

Ambry Genetics
Classification: Uncertain significance for Hereditary cancer-predisposing syndrome. Last evaluated: 2025-06-06. Review status: criteria provided, single submitter. Criteria: Ambry Variant Classification Scheme 2023. Collection method: clinical testing. Allele origin: germline.
Comment: The c.1154C>T variant (also known as p.A385V), located in coding exon 7 of the MEN1 gene, results from a C to T substitution at nucleotide position 1154. The alanine at codon 385 is replaced by valine, an amino acid with similar properties. This alteration has been reported in Dutch individuals with suspected multiple endocrine neoplasia type 1 (Roijers JF et al. Eur. J. Clin. Invest. 2000 Jun;30(6):487-92; Geerdink EA et al. Eur J Endocrinol, 2003 Dec;149:577-82; Pieterman CR et al. Ann. Surg. 2012 Jun;255(6):1171-8) and this variant was reported in individual(s) with features consistent with multiple endocrine neoplasia type 1 (Ambry internal data). This nucleotide position is not well conserved in available vertebrate species. In silico splice site analysis predicts that this alteration will result in the creation or strengthening of a novel splice donor site. RNA studies have demonstrated that this alteration results in a transcript predicted to lead to a protein with an in-frame deletion of 10 amino acid(s); however, the exact functional impact of the deleted amino acid(s) is unknown at this time (Ambry internal data). Based on the available evidence, the clinical significance of this variant remains unclear.

Color Diagnostics, LLC DBA Color Health
Classification: Uncertain significance for Multiple endocrine neoplasia, type 1. Last evaluated: 2025-06-02. Review status: criteria provided, single submitter. Criteria: ACMG Guidelines, 2015. Collection method: clinical testing. Allele origin: germline.
Comment: This missense variant replaces alanine with valine at codon 385 of the MEN1 protein. This variant is also known as c.1169C>T (p.Ala390Val) in the literature. Computational prediction is inconclusive regarding the impact of this variant on protein structure and function. To our knowledge, functional studies have not been reported for this variant. This variant has been reported in at least two unrelated individuals affected with hyperparathyroidism and/or MEN1-associated clinical features (PMID: 10849016, 14641000, 22470073). This variant has been identified in 1/251284 chromosomes in the general population by the Genome Aggregation Database (gnomAD). The available evidence is insufficient to determine the role of this variant in disease conclusively. Therefore, this variant is classified as a Variant of Uncertain Significance.

Quest Diagnostics Nichols Institute San Juan Capistrano
Classification: Uncertain significance. Last evaluated: 2024-02-12. Review status: criteria provided, single submitter. Criteria: Quest Diagnostics criteria. Collection method: clinical testing. Allele origin: unknown.

All of Us Research Program, National Institutes of Health
Classification: Uncertain significance for Multiple endocrine neoplasia, type 1. Last evaluated: 2023-11-30. Review status: criteria provided, single submitter. Criteria: ACMG Guidelines, 2015. Collection method: clinical testing. Allele origin: germline. Inheritance: Autosomal dominant inheritance. Observed: 2 variant alleles, 2 heterozygotes.
Comment: This missense variant replaces alanine with valine at codon 385 of the MEN1 protein. This variant is also known as c.1169C>T (p.Ala390Val) in the literature. Computational prediction is inconclusive regarding the impact of this variant on protein structure and function (internally defined REVEL score threshold 0.5 < inconclusive < 0.7, PMID: 27666373). To our knowledge, functional studies have not been reported for this variant. This variant has been reported in at least two unrelated individuals affected with hyperparathyroidism and/or MEN1-associated clinical features (PMID: 10849016, 14641000, 22470073). This variant has been identified in 1/251284 chromosomes in the general population by the Genome Aggregation Database (gnomAD). The available evidence is insufficient to determine the role of this variant in disease conclusively. Therefore, this variant is classified as a Variant of Uncertain Significance.

This study involves interpretation of variants in research participants for the purpose of population health screening. Participant phenotype was not available at the time of variant classification. Additional details can be found in publication PMID: 35346344, PMCID: PMC8962531

Baylor Genetics
Classification: Uncertain significance for Multiple Endocrine Neoplasia Type 1. Last evaluated: 2023-05-24. Review status: criteria provided, single submitter. Criteria: ACMG Guidelines, 2015. Collection method: clinical testing. Allele origin: unknown.

Genome Diagnostics Laboratory, University Medical Center Utrecht
Classification: Pathogenic. Review status: no assertion criteria provided. Collection method: clinical testing. Allele origin: germline. Affected: yes. Study: VKGL Data-share Consensus. Not counted in ClinVar's aggregate classification.

Joint Genome Diagnostic Labs from Nijmegen and Maastricht, Radboudumc and MUMC+
Classification: Likely pathogenic. Review status: no assertion criteria provided. Collection method: clinical testing. Allele origin: germline. Affected: yes. Study: VKGL Data-share Consensus. Not counted in ClinVar's aggregate classification.

Literature cited by the submitters: PubMed 14641000 (cited by 4 submitters); PubMed 10849016 (cited by 3 submitters); PubMed 22470073 (cited by 3 submitters); PubMed 30869828 (cited by Quest Diagnostics Nichols Institute San Juan Capistrano).